The following is an entry in ClinVar:

ClinVar aggregate classification (germline): Likely pathogenic (1 of 4 stars; one submission).

Conditions:
Niemann-Pick disease, type C1. Also called: NIEMANN-PICK DISEASE, VARIANT TYPE C1; NEUROVISCERAL STORAGE DISEASE WITH VERTICAL SUPRANUCLEAR OPHTHALMOPLEGIA; NIEMANN-PICK DISEASE WITH CHOLESTEROL ESTERIFICATION BLOCK; NIEMANN-PICK DISEASE WITHOUT SPHINGOMYELINASE DEFICIENCY; NIEMANN-PICK DISEASE, CHRONIC NEURONOPATHIC FORM. Identifiers: Orphanet 646, MedGen C3179455, MONDO:0009757, OMIM 257220.

Allele frequency attached by ClinVar (database versions not stated): gnomAD exomes below 0.00001.
gnomAD v4.1: 1 of 1,605,346 alleles (0.000062%); highest among the groups gnomAD compares: Non-Finnish European, 0.000085%; no homozygotes.

Submission:

Labcorp Genetics (formerly Invitae), Labcorp
Classification: Likely pathogenic for Niemann-Pick disease, type C1. Last evaluated: 2022-04-08. Review status: criteria provided, single submitter. Criteria: Invitae Variant Classification Sherloc (09022015). Collection method: clinical testing. Allele origin: germline.
Comment: This sequence change affects an acceptor splice site in intron 18 of the NPC1 gene. It is expected to disrupt RNA splicing. Variants that disrupt the donor or acceptor splice site typically lead to a loss of protein function (PMID: 16199547), and loss-of-function variants in NPC1 are known to be pathogenic (PMID: 9211850). This variant is not present in population databases (gnomAD no frequency). This variant has not been reported in the literature in individuals affected with NPC1-related conditions. Algorithms developed to predict the effect of sequence changes on RNA splicing suggest that this variant may disrupt the consensus splice site. In summary, the currently available evidence indicates that the variant is pathogenic, but additional data are needed to prove that conclusively. Therefore, this variant has been classified as Likely Pathogenic.

Literature cited by the submitters: PubMed 16199547; PubMed 9211850.

NM_000271.5(NPC1):c.2796-2A>T

Gene: NPC1 (NPC intracellular cholesterol transporter 1; minus strand). Cytogenetic location: 18q11.2.
Variant type: single nucleotide variant.
Coding change: c.2796-2A>T on transcript NM_000271.5 (MANE Select); the canonical splice acceptor site of the intron before coding-DNA position 2796, A replaced by T.
Molecular consequence: splice acceptor variant.
Genome position (GRCh38, 1-based): chr18:23,539,472, T>A on the plus strand (A>T on the coding strand, the complement: NPC1 is on the minus strand). VCF-style: chr18-23539472-T-A. GRCh37 (hg19) VCF-style: chr18-21119436-T-A.
Identifiers: ClinVar variation 2059247 (VCV002059247.4), dbSNP rs2511210964, ClinGen allele CA401792617.